The following is an entry in ClinVar:

ClinVar aggregate classification (germline): Uncertain significance (1 of 4 stars; one submission).

Conditions:
Familial cancer of breast. Also called: hereditary breast carcinoma; Hereditary breast cancer; BREAST CANCER, FAMILIAL. Identifiers: Orphanet 227535, MedGen C0346153, MONDO:0016419, OMIM 114480. Disease mechanism: loss of function.

Submission:

Labcorp Genetics (formerly Invitae), Labcorp
Classification: Uncertain significance for Familial cancer of breast. Last evaluated: 2024-01-28. Review status: criteria provided, single submitter. Criteria: Invitae Variant Classification Sherloc (09022015). Collection method: clinical testing. Allele origin: germline.
Comment: This sequence change replaces serine, which is neutral and polar, with proline, which is neutral and non-polar, at codon 541 of the BARD1 protein (p.Ser541Pro). This variant is not present in population databases (gnomAD no frequency). This variant has not been reported in the literature in individuals affected with BARD1-related conditions. ClinVar contains an entry for this variant (Variation ID: 1410634). An algorithm developed to predict the effect of missense changes on protein structure and function (PolyPhen-2) suggests that this variant is likely to be disruptive. In summary, the available evidence is currently insufficient to determine the role of this variant in disease. Therefore, it has been classified as a Variant of Uncertain Significance.

NM_000465.4(BARD1):c.1621T>C (p.Ser541Pro)

Gene: BARD1 (BRCA1 associated RING domain 1; minus strand). Cytogenetic location: 2q35.
Variant type: single nucleotide variant.
Coding change: c.1621T>C on transcript NM_000465.4 (MANE Select); coding-DNA position 1621, T replaced by C.
Protein change: p.Ser541Pro; replaces serine 541 with proline.
Molecular consequence: missense variant. On other transcripts: non-coding transcript variant (3), intron variant (1).
Genome position (GRCh38, 1-based): chr2:214,752,503, A>G on the plus strand (T>C on the coding strand, the complement: BARD1 is on the minus strand). VCF-style: chr2-214752503-A-G. GRCh37 (hg19) VCF-style: chr2-215617227-A-G.
Other names: c.1564T>C, p.Ser522Pro (NM_001282543.2); c.268T>C, p.Ser90Pro (NM_001282545.2); c.211T>C, p.Ser71Pro (NM_001282548.2); c.365-21995T>C (NM_001282549.2); short protein forms S541P, S522P, S90P, S71P.
Identifiers: ClinVar variation 1410634 (VCV001410634.9), dbSNP rs2106038879, ClinGen allele CA350454811.
Genomic context (GRCh38, chr2:214,752,503, plus strand): 5'-TTACTACTGAGCAGTGGCTAGCTGAGGATGATTCATTCTTCTCTGGTAGCAGCAATAGCG[A>G]TTTCATACTTTCATCATCTGTATAATCGACAGGCCGCAGACCAAATATATTACTGGTAAA-3'
Protein context (NP_000456.2, residues 531-551): VDYTDDESMK[Ser541Pro]LLLLPEKNES